The following is an entry in ClinVar:

ClinVar aggregate classification (germline): Likely pathogenic (1 of 4 stars; one submission).

Conditions:
Primary ciliary dyskinesia. Also called: Ciliary dyskinesia. Identifiers: Orphanet 244, MedGen C0008780, MONDO:0016575, HP:0012265.

Submission:

Department of Human Genetics, Hannover Medical School
Classification: Likely pathogenic for Primary Ciliary Dyskinesia. Last evaluated: 2026-04-01. Review status: criteria provided, single submitter. Criteria: ACMG Guidelines, 2015. Collection method: research. Allele origin: germline. Affected: no.
Comment: Classification performed by HerediClassify using the following criteria:['PM2_supporting: Variant occures does not occur as homozygous in gnomAD.', 'PVS1_protein_very_strong: Transcript ENST00000285599 is predicted to undergo NMD.']

NM_015274.3(MAN2B2):c.994del (p.Leu332fs)

Gene: MAN2B2 (mannosidase alpha class 2B member 2; plus strand). Cytogenetic location: 4p16.1.
Variant type: Deletion.
Coding change: c.994del on transcript NM_015274.3 (MANE Select); coding-DNA position 994, one base deleted (C; older notation c.994delC).
Protein change: p.Leu332fs; shifts the reading frame from leucine 332.
Molecular consequence: frameshift variant.
Genome position (GRCh38, 1-based): chr4:6,594,669, C deleted; the last of 3 consecutive C bases (chr4:6,594,667-6,594,669); deleting any one gives the same sequence. VCF-style (leftmost placement, unchanged base first): chr4-6594666-GC-G. GRCh37 (hg19) VCF-style: chr4-6596393-GC-G.
Other names: c.841del, p.Leu281fs (NM_001292038.2); short protein forms L281fs, L332fs.
Identifiers: ClinVar variation 4880170 (VCV004880170.1).